The following is an entry in ClinVar:

NM_001252024.2(TRPM1):c.913G>A (p.Gly305Arg)

Gene: TRPM1 (transient receptor potential cation channel subfamily M member 1; minus strand). Cytogenetic location: 15q13.3.
Variant type: single nucleotide variant.
Coding change: c.913G>A on transcript NM_001252024.2 (MANE Select); coding-DNA position 913, G replaced by A.
Protein change: p.Gly305Arg; replaces glycine 305 with arginine.
Molecular consequence: missense variant.
Genome position (GRCh38, 1-based): chr15:31,063,170, C>T on the plus strand (G>A on the coding strand, the complement: TRPM1 is on the minus strand). VCF-style: chr15-31063170-C-T. GRCh37 (hg19) VCF-style: chr15-31355373-C-T.
Other names: c.964G>A, p.Gly322Arg (NM_001252020.2); c.847G>A, p.Gly283Arg (NM_002420.6); short protein forms G305R, G322R, G283R.
Identifiers: ClinVar variation 1932197 (VCV001932197.2), dbSNP rs369237180, ClinGen allele CA7452771.

ClinVar aggregate classification (germline): Uncertain significance (1 of 4 stars; one submission).

Allele frequency attached by ClinVar (database versions not stated): gnomAD 0.00001; gnomAD exomes 0.00001; ExAC 0.00003; TOPMed 0.00003; ESP Exome Variant Server 0.00008.
gnomAD v4.1: 14 of 1,614,130 alleles (0.00087%); highest among the groups gnomAD compares: East Asian, 0.0067%; no homozygotes.

Submission:

Labcorp Genetics (formerly Invitae), Labcorp
Classification: Uncertain significance. Last evaluated: 2022-07-01. Review status: criteria provided, single submitter. Criteria: Invitae Variant Classification Sherloc (09022015). Collection method: clinical testing. Allele origin: germline.
Comment: This sequence change replaces glycine, which is neutral and non-polar, with arginine, which is basic and polar, at codon 283 of the TRPM1 protein (p.Gly283Arg). This variant is present in population databases (rs369237180, gnomAD 0.01%). This variant has not been reported in the literature in individuals affected with TRPM1-related conditions. Algorithms developed to predict the effect of missense changes on protein structure and function (SIFT, PolyPhen-2, Align-GVGD) all suggest that this variant is likely to be disruptive. In summary, the available evidence is currently insufficient to determine the role of this variant in disease. Therefore, it has been classified as a Variant of Uncertain Significance.